The following is an entry in ClinVar:

NM_022166.4(XYLT1):c.2557G>C (p.Glu853Gln)

Gene: XYLT1 (xylosyltransferase 1; minus strand). Cytogenetic location: 16p12.3.
Variant type: single nucleotide variant.
Coding change: c.2557G>C on transcript NM_022166.4 (MANE Select); coding-DNA position 2557, G replaced by C.
Protein change: p.Glu853Gln; replaces glutamic acid 853 with glutamine.
Molecular consequence: missense variant.
Genome position (GRCh38, 1-based): chr16:17,117,646, C>G on the plus strand (G>C on the coding strand, the complement: XYLT1 is on the minus strand). VCF-style: chr16-17117646-C-G. GRCh37 (hg19) VCF-style: chr16-17211503-C-G.
Other names: p.Glu853Gln; short protein forms E853Q.
Identifiers: ClinVar variation 1403914 (VCV001403914.8), dbSNP rs200659049, ClinGen allele CA7927555.
Genomic context (GRCh38, chr16:17,117,646, plus strand): 5'-AGACCCTCAAGGTCCCCAGGGAAGGAGTATTTCTCCCACATAGACACTGGGAGTACTTAC[C>G]AGGTTTGATGGGCTGCCTGTTCGAGAAGGTCAGAGGCGCAACGAGGAATTTGGTCTCTGC-3'
Protein context (NP_071449.1, residues 843-863): TFSNRQPIKP[Glu853Gln]EALKLHNGPL

ClinVar aggregate classification (germline): Uncertain significance. Review status: criteria provided, multiple submitters, no conflicts (2 of 4 stars). 2 submissions from 2 submitters: Uncertain significance (2). Last evaluated 2023-08-30.

Conditions:
Desbuquois dysplasia 1 (DBQD1). Also called: MICROMELIC DWARFISM WITH VERTEBRAL AND METAPHYSEAL ABNORMALITIES AND ADVANCED CARPOTARSAL OSSIFICATION; DESBUQUOIS DYSPLASIA 1, KIM VARIANT. Identifiers: Orphanet 1425, MedGen C4012146, MONDO:0009629, OMIM 251450.

Allele frequency attached by ClinVar (database versions not stated): 1000 Genomes Project 0.00020; TOPMed 0.00022; 1000 Genomes Project 30x 0.00031.
gnomAD v4.1: 27 of 1,609,892 alleles (0.0017%); highest among the groups gnomAD compares: Admixed American, 0.035%; no homozygotes.

Submissions (2):

Labcorp Genetics (formerly Invitae), Labcorp
Classification: Uncertain significance for Desbuquois dysplasia 1. Last evaluated: 2023-08-30. Review status: criteria provided, single submitter. Criteria: Invitae Variant Classification Sherloc (09022015). Collection method: clinical testing. Allele origin: germline.
Comment: In summary, the available evidence is currently insufficient to determine the role of this variant in disease. Therefore, it has been classified as a Variant of Uncertain Significance. Variants that disrupt the consensus splice site are a relatively common cause of aberrant splicing (PMID: 17576681, 9536098). An algorithm developed to predict the effect of missense changes on protein structure and function (PolyPhen-2) suggests that this variant is likely to be disruptive. ClinVar contains an entry for this variant (Variation ID: 1403914). This variant has not been reported in the literature in individuals affected with XYLT1-related conditions. This variant is present in population databases (rs200659049, gnomAD 0.003%). This sequence change replaces glutamic acid, which is acidic and polar, with glutamine, which is neutral and polar, at codon 853 of the XYLT1 protein (p.Glu853Gln). This variant also falls at the last nucleotide of exon 11, which is part of the consensus splice site for this exon.

Mayo Clinic Laboratories, Mayo Clinic
Classification: Uncertain significance. Last evaluated: 2021-08-26. Review status: criteria provided, single submitter. Criteria: ACMG Guidelines, 2015. Collection method: clinical testing. Allele origin: germline.

Literature cited by the submitters: PubMed 17576681 (cited by Labcorp Genetics (formerly Invitae), Labcorp); PubMed 9536098 (cited by Labcorp Genetics (formerly Invitae), Labcorp).